The following is an entry in ClinVar:

NM_183357.3(ADCY5):c.327C>A (p.Asp109Glu)

Gene: ADCY5 (adenylate cyclase 5; minus strand). Cytogenetic location: 3q21.1.
Variant type: single nucleotide variant.
Coding change: c.327C>A on transcript NM_183357.3 (MANE Select); coding-DNA position 327, C replaced by A.
Protein change: p.Asp109Glu; replaces aspartic acid 109 with glutamic acid.
Molecular consequence: missense variant.
Genome position (GRCh38, 1-based): chr3:123,448,219, G>T on the plus strand (C>A on the coding strand, the complement: ADCY5 is on the minus strand). VCF-style: chr3-123448219-G-T. GRCh37 (hg19) VCF-style: chr3-123167066-G-T.
Other names: c.327C>A, p.Asp109Glu (NM_001378259.1); short protein forms D109E.
Identifiers: ClinVar variation 2627543 (VCV002627543.1), dbSNP rs868724293, ClinGen allele CA82636265.
Genomic context (GRCh38, chr3:123,448,219, plus strand): 5'-CCGGGTGCTGCCCCCGCTGGCCGCGCCCCGCCGCTGCCGGCGGCTGCCGCGACCGCAGTC[G>T]TCGCCGCCGCGCTCCTGCCAGGCGGACTTGGAGCGGAAGCTGAAGCCGAAGCCCCCGGCC-3'
Protein context (NP_899200.1, residues 99-119): SKSAWQERGG[Asp109Glu]DCGRGSRRQR

ClinVar aggregate classification (germline): Uncertain significance (1 of 4 stars; one submission).

Conditions:
Dyskinesia with orofacial involvement, autosomal dominant (DSKOD). Also called: Dyskinesia, familial, with facial myokymia; Familial dyskinesia and facial myokymia; Familial Dyskinesia with Facial Myokymia (FDFM). Identifiers: Orphanet 324588, MedGen C1847627, MONDO:0800028, OMIM 606703.

Allele frequency attached by ClinVar (database versions not stated): gnomAD exomes 0.00002.
gnomAD v4.1: 20 of 1,320,940 alleles (0.0015%); highest among the groups gnomAD compares: South Asian, 0.038%; no homozygotes.

Submission:

Neuberg Centre For Genomic Medicine, NCGM
Classification: Uncertain significance for Dyskinesia with orofacial involvement, autosomal dominant. Review status: criteria provided, single submitter. Criteria: ACMG Guidelines, 2015. Collection method: clinical testing. Allele origin: germline. Inheritance: Autosomal dominant inheritance. Affected: yes.
Comment: The missense variant p.D109E in ADCY5 (NM_183357.3) has not been reported previously as a pathogenic variant nor as a benign variant, to our knowledge. Although the variant is present at 0.0075% in gnomAD Exomes, it has the flag "Failed Random Forest" and may not represent the true population frequency.The p.D109E variant is novel (not in any individuals) in 1000 Genomes. The p.D109E missense variant is predicted to be tolerated by both SIFT or PolyPhen2. The nucleotide c.327 in ADCY5 is not conserved according to a GERP++ and PhyloP analysis of 100 vertebrates. For these reasons, this variant has been classified as Uncertain Significance.